The following is an entry in ClinVar:

NC_000009.11:g.(?_131303371)_(131303459_?)del

Gene: GLE1 (GLE1 RNA export mediator; plus strand). Cytogenetic location: 9q34.11.
Variant type: Deletion.
Identifiers: ClinVar variation 1513311 (VCV001513311.5).

ClinVar aggregate classification (germline): Likely pathogenic (1 of 4 stars; one submission).

Submission:

Labcorp Genetics (formerly Invitae), Labcorp
Classification: Likely pathogenic. Last evaluated: 2021-08-12. Review status: criteria provided, single submitter. Criteria: Invitae Variant Classification Sherloc (09022015). Collection method: clinical testing. Allele origin: germline.
Comment: This variant is a gross deletion of the genomic region encompassing exon(s) 16 of the GLE1 gene, which includes the termination codon. This deletion extends beyond the assayed region for this gene and therefore may encompass additional genes. While this deletion is not anticipated to lead to nonsense mediated decay, it is expected to alter mRNA translation or result in a truncated protein product. This variant has not been reported in the literature in individuals affected with GLE1-related conditions. This variant disrupts the p.Ile684 amino acid residue in GLE1. Other variant(s) that disrupt this residue have been determined to be pathogenic (PMID: 18204449, 28657126). This suggests that this residue is clinically significant, and that variants that disrupt this residue are likely to be disease-causing. In summary, the currently available evidence indicates that the variant is pathogenic, but additional data are needed to prove that conclusively. Therefore, this variant has been classified as Likely Pathogenic.

Literature cited by the submitters: PubMed 18204449; PubMed 28657126.